The following is an entry in ClinVar:

ClinVar aggregate classification (germline): Pathogenic (1 of 4 stars; one submission).

Submission:

Labcorp Genetics (formerly Invitae), Labcorp
Classification: Pathogenic. Last evaluated: 2023-08-21. Review status: criteria provided, single submitter. Criteria: Invitae Variant Classification Sherloc (09022015). Collection method: clinical testing. Allele origin: germline.
Comment: For these reasons, this variant has been classified as Pathogenic. Algorithms developed to predict the effect of sequence changes on RNA splicing suggest that this variant may disrupt the consensus splice site. This variant has not been reported in the literature in individuals affected with USH1C-related conditions. This variant is not present in population databases (gnomAD no frequency). This sequence change creates a premature translational stop signal (p.Glu249*) in the USH1C gene. It is expected to result in an absent or disrupted protein product. Loss-of-function variants in USH1C are known to be pathogenic (PMID: 10973247, 17407589, 20301442, 21203349).

Literature cited by the submitters: PubMed 10973247; PubMed 17407589; PubMed 20301442; PubMed 21203349.

NM_153676.4(USH1C):c.745G>T (p.Glu249Ter)

Gene: USH1C (USH1 protein network component harmonin; minus strand). Cytogenetic location: 11p15.1.
Variant type: single nucleotide variant.
Coding change: c.745G>T on transcript NM_153676.4 (MANE Select); coding-DNA position 745, G replaced by T.
Protein change: p.Glu249Ter; replaces glutamic acid 249 with a stop codon.
Molecular consequence: nonsense. On other transcripts: non-coding transcript variant (1).
Genome position (GRCh38, 1-based): chr11:17,524,465, C>A on the plus strand (G>T on the coding strand, the complement: USH1C is on the minus strand). VCF-style: chr11-17524465-C-A. GRCh37 (hg19) VCF-style: chr11-17546012-C-A.
Other names: c.745G>T, p.Glu249Ter (NM_001297764.2, NM_005709.4); short protein forms E249*.
Identifiers: ClinVar variation 2752515 (VCV002752515.3), dbSNP rs181762689, ClinGen allele CA379790713.
Genomic context (GRCh38, chr11:17,524,465, plus strand): 5'-CCAATTTCCAGTGGGCCCCCACTGGGGCCGGCCCAGCGTCACTCACCTCCAATCCCACCT[C>A]AGCAGACAGGGAGCCAGGTTTCACATGGCTGATAAAGATGCCAGGCTTCTGGATGGGGCC-3'